The following is an entry in ClinVar:

NM_001320.7(CSNK2B):c.393_403del (p.Met132fs)

Gene: CSNK2B (casein kinase 2 beta; plus strand). Cytogenetic location: 6p21.33.
Variant type: Deletion.
Coding change: c.393_403del on transcript NM_001320.7 (MANE Select); coding-DNA positions 393 to 403, 11 bases deleted (CATGGTGAAGC).
Protein change: p.Met132fs; shifts the reading frame from methionine 132.
Molecular consequence: frameshift variant.
Genome position (GRCh38, 1-based): chr6:31,669,344-31,669,354, CATGGTGAAGC deleted; deleting any 11 consecutive bases within chr6:31,669,336-31,669,354 gives the same sequence; the c. name uses the placement nearest the transcript's 3' end. VCF-style (leftmost placement, unchanged base first): chr6-31669335-AGGTGAAGCCAT-A. GRCh37 (hg19) VCF-style: chr6-31637112-AGGTGAAGCCAT-A.
Other names: c.384_394del, p.Met129fs (NM_001282385.2); short protein forms M129fs, M132fs.
Identifiers: ClinVar variation 5040710 (VCV005040710.1).
Genomic context (GRCh38, chr6:31,669,335, plus strand): 5'-GGAATAGGGGGATACCTGGCCTGCTGAGTCTGGCTGTCTCCCAGGCCTTTCAGACATCCC[AGGTGAAGCCAT>A]GGTGAAGCTCTACTGCCCCAAGTGCATGGATGTGTACACACCCAAGTCATCAAGACACCA-3'

ClinVar aggregate classification (germline): Likely pathogenic (1 of 4 stars; one submission).

Submission:

CeGaT Center for Human Genetics Tuebingen
Classification: Likely pathogenic. Last evaluated: 2026-08-01. Review status: criteria provided, single submitter. Criteria: CeGaT Center For Human Genetics Tuebingen Variant Classification Criteria Version 2. Collection method: clinical testing. Allele origin: germline. Affected: yes. Observed: 1 variant allele.
Comment: CSNK2B: PVS1:Strong, PM2